The following is an entry in ClinVar:

NM_004629.2(FANCG):c.1158dup (p.Ser387fs)

Gene: FANCG (FA complementation group G; minus strand). Cytogenetic location: 9p13.3.
Variant type: Duplication.
Coding change: c.1158dup on transcript NM_004629.2 (MANE Select); coding-DNA position 1158, one base duplicated (C; older notation c.1158dupC).
Protein change: p.Ser387fs; shifts the reading frame from serine 387.
Molecular consequence: frameshift variant.
Genome position (GRCh38, 1-based): chr9:35,075,740, G duplicated on the plus strand (C on the coding strand, the reverse complement: FANCG is on the minus strand); the first of 6 consecutive G bases (chr9:35,075,740-35,075,745); duplicating any one gives the same sequence. VCF-style (leftmost placement, unchanged base first): chr9-35075739-A-AG. GRCh37 (hg19) VCF-style: chr9-35075736-A-AG.
Other names: c.1158dupC (NM_004629.1, NM_004629.2); short protein forms S387fs.
Identifiers: ClinVar variation 623182 (VCV000623182.35), dbSNP rs757418016, ClinGen allele CA5039805.

ClinVar aggregate classification (germline): Pathogenic/Likely pathogenic. Review status: criteria provided, multiple submitters, no conflicts (2 of 4 stars). 10 submissions from 10 submitters: Pathogenic (8); Likely pathogenic (1). 1 of the submissions does not count toward it. Last evaluated 2026-01-11.

Conditions:
Fanconi anemia complementation group G. Also called: Fanconi anemia group G; FANCG-Related Fanconi Anemia. Identifiers: Orphanet 84, MedGen C3469527, MONDO:0013565, OMIM 614082.
Fanconi anemia (FA). Also called: Fanconi's anemia. Identifiers: Orphanet 84, MedGen C0015625, MeSH D005199, MONDO:0019391.

Submissions (10):

Labcorp Genetics (formerly Invitae), Labcorp
Classification: Pathogenic for Fanconi anemia. Last evaluated: 2026-01-11. Review status: criteria provided, single submitter. Criteria: Invitae Variant Classification Sherloc (09022015). Collection method: clinical testing. Allele origin: germline.
Comment: This sequence change creates a premature translational stop signal (p.Ser387Leufs*9) in the FANCG gene. It is expected to result in an absent or disrupted protein product. Loss-of-function variants in FANCG are known to be pathogenic (PMID: 12552564). This variant is present in population databases (rs781582249, gnomAD 0.007%). This premature translational stop signal has been observed in individual(s) with Fanconi anemia (PMID: 23613520, 28717661). ClinVar contains an entry for this variant (Variation ID: 623182). For these reasons, this variant has been classified as Pathogenic.

Natera, Inc.
Classification: Pathogenic for Fanconi anemia group G. Last evaluated: 2025-06-17. Review status: criteria provided, single submitter. Criteria: Natera Variant Classification Schema (03/2026). Collection method: clinical testing. Allele origin: germline.
Comment: The c.1158dupC variant in FANCG is a frameshift variant predicted to shift the reading frame beginning at codon 387 and leads to a stop codon 9 codons downstream. This variant is expected to result in nonsense mediated decay, truncation, or a dysfunctional protein product. This variant is rare in the general population with a frequency below the threshold expected for the associated phenotype(s). This variant has been observed in one or more individuals affected with the associated recessive disease, as either homozygous or compound heterozygous with a second variant (PMID: 23613520). Given the available evidence, this variant is classified as Pathogenic.

Revvity Omics, Revvity
Classification: Pathogenic for Fanconi anemia complementation group G. Last evaluated: 2025-04-29. Review status: criteria provided, single submitter. Criteria: ACMG Guidelines, 2015. Collection method: clinical testing. Allele origin: germline.

CeGaT Center for Human Genetics Tuebingen
Classification: Pathogenic. Last evaluated: 2024-11-01. Review status: criteria provided, single submitter. Criteria: CeGaT Center For Human Genetics Tuebingen Variant Classification Criteria Version 2. Collection method: clinical testing. Allele origin: germline. Affected: yes. Observed: 3 variant alleles.
Comment: FANCG: PVS1, PM2, PM3

Fulgent Genetics
Classification: Pathogenic for Fanconi anemia complementation group G. Last evaluated: 2024-05-24. Review status: criteria provided, single submitter. Criteria: ACMG Guidelines, 2015. Collection method: clinical testing. Allele origin: germline.

Baylor Genetics
Classification: Pathogenic for Fanconi anemia complementation group G. Last evaluated: 2024-02-12. Review status: criteria provided, single submitter. Criteria: ACMG Guidelines, 2015. Collection method: clinical testing. Allele origin: unknown.

Women's Health and Genetics/Laboratory Corporation of America, LabCorp
Classification: Pathogenic for Fanconi anemia. Last evaluated: 2024-01-12. Review status: criteria provided, single submitter. Criteria: LabCorp Variant Classification Summary - May 2015. Collection method: clinical testing. Allele origin: germline.
Comment: Variant summary: FANCG c.1158dupC (p.Ser387LeufsX9) results in a premature termination codon and is expected to cause absence of the protein due to nonsense mediated decay, a commonly known mechanism for disease. The variant allele was found at a frequency of 3.6e-05 in 223442 control chromosomes (gnomAD). c.1158dupC has been reported in the literature as a biallelic genotype in at least one individual affected with Fanconi Anemia (e.g. Chandrasekharappa_2013). These data suggest the variant is very likely associated with disease. To our knowledge, no experimental evidence demonstrating an impact on protein function has been reported. The following publication has been ascertained in the context of this evaluation (PMID: 23613520). ClinVar contains an entry for this variant (Variation ID: 623182). Based on the evidence outlined above, the variant was classified as pathogenic.

Molecular Diagnostics Laboratory, M Health Fairview: University of Minnesota
Classification: Pathogenic for Fanconi anemia complementation group G. Last evaluated: 2018-05-01. Review status: criteria provided, single submitter. Criteria: ACMG Guidelines, 2015. Collection method: clinical testing. Allele origin: germline. Affected: yes. Observed: 3 variant alleles.

Knight Diagnostic Laboratories, Oregon Health and Sciences University
Classification: Likely pathogenic for Fanconi anemia. Last evaluated: 2017-10-19. Review status: criteria provided, single submitter. Criteria: ACMG Guidelines, 2015. Collection method: clinical testing. Allele origin: germline. Observed: 1 variant allele.

Leiden Open Variation Database
Classification: Uncertain significance for Fanconi anemia complementation group G. Last evaluated: 2020-02-28. Review status: no assertion criteria provided. Collection method: curation. Allele origin: germline. Affected: yes. Not counted in ClinVar's aggregate classification.
Comment: Curator: Arleen D. Auerbach. Submitter to LOVD: Arleen D. Auerbach.

Literature cited by the submitters: PubMed 12552564 (cited by Labcorp Genetics (formerly Invitae), Labcorp); PubMed 23613520 (cited by 5 submitters); PubMed 28717661 (cited by Labcorp Genetics (formerly Invitae), Labcorp).